The following is an entry in ClinVar:

ClinVar aggregate classification (germline): Uncertain significance (1 of 4 stars; one submission).

Submission:

GeneDx
Classification: Uncertain significance. Last evaluated: 2025-12-19. Review status: criteria provided, single submitter. Criteria: GeneDx Variant Classification Process June 2021. Collection method: clinical testing. Allele origin: germline.
Comment: Not observed at significant frequency in large population cohorts (gnomAD); In silico analysis suggests that this missense variant does not alter protein structure/function; Has not been previously published as pathogenic or benign to our knowledge

NM_078480.3(PUF60):c.34G>A (p.Gly12Ser)

Gene: PUF60 (poly(U) binding splicing factor 60; minus strand). Cytogenetic location: 8q24.3.
Variant type: single nucleotide variant.
Coding change: c.34G>A on transcript NM_078480.3 (MANE Select); coding-DNA position 34, G replaced by A.
Protein change: p.Gly12Ser; replaces glycine 12 with serine.
Molecular consequence: missense variant. On other transcripts: 5 prime UTR variant (2), intron variant (2).
Genome position (GRCh38, 1-based): chr8:143,824,390, C>T on the plus strand (G>A on the coding strand, the complement: PUF60 is on the minus strand). VCF-style: chr8-143824390-C-T. GRCh37 (hg19) VCF-style: chr8-144906560-C-T.
Other names: c.-96G>A (NM_001136033.3, NM_001271100.2); c.31G>A, p.Gly11Ser (NM_001271096.2, NM_001271098.2); c.145G>A, p.Gly49Ser (NM_001362895.2, NM_001362896.2, NM_001362897.2); c.34G>A, p.Gly12Ser (NM_014281.5); c.25-2477G>A (NM_001271097.2, NM_001271099.2); short protein forms G11S, G12S, G49S.
Identifiers: ClinVar variation 3390429 (VCV003390429.2).
Genomic context (GRCh38, chr8:143,824,390, plus strand): 5'-TGTCTCCCGCTGCCACCACTGCCGCCGCCGCCGCCGGCTCGGACCCCCCTCCTTGCTGGC[C>T]ATTGACCTGCTGCAGGCAGGAAGGAGATGTTGTAACGACAGGCACACCACCCCACCGCCC-3'
Protein context (NP_510965.1, residues 2-22): ATATIALQVN[Gly12Ser]QQGGGSEPAA